The following is an entry in ClinVar:

ClinVar aggregate classification (germline): Pathogenic (1 of 4 stars; one submission).

Conditions:
Phenylketonuria (PKU). Also called: Phenylketonurias; FOLLING DISEASE; OLIGOPHRENIA PHENYLPYRUVICA; Phenylketonuria (PKU). Identifiers: Orphanet 716, MedGen C0031485, MONDO:0009861, OMIM 261600. Disease mechanism: loss of function.

Submission:

Labcorp Genetics (formerly Invitae), Labcorp
Classification: Pathogenic for Phenylketonuria. Last evaluated: 2023-07-13. Review status: criteria provided, single submitter. Criteria: Invitae Variant Classification Sherloc (09022015). Collection method: clinical testing. Allele origin: germline.
Comment: This variant disrupts the p.Thr418 amino acid residue in PAH. Other variant(s) that disrupt this residue have been determined to be pathogenic (PMID: 1301187, 26322415, 29499199, 29731766, 30747360, 31355225). This suggests that this residue is clinically significant, and that variants that disrupt this residue are likely to be disease-causing. For these reasons, this variant has been classified as Pathogenic. Advanced modeling of protein sequence and biophysical properties (such as structural, functional, and spatial information, amino acid conservation, physicochemical variation, residue mobility, and thermodynamic stability) performed at Invitae indicates that this missense variant is not expected to disrupt PAH protein function. This sequence change replaces threonine, which is neutral and polar, with asparagine, which is neutral and polar, at codon 418 of the PAH protein (p.Thr418Asn). This variant is not present in population databases (gnomAD no frequency). This missense change has been observed in individual(s) with phenylketonuria (PMID: 15464430, 32668217; Invitae). In at least one individual the data is consistent with being in trans (on the opposite chromosome) from a pathogenic variant.

Literature cited by the submitters: PubMed 1301187; PubMed 26322415; PubMed 29499199; PubMed 29731766; PubMed 30747360; PubMed 31355225; PubMed 15464430; PubMed 32668217.

NM_000277.3(PAH):c.1253C>A (p.Thr418Asn)

Gene: PAH (phenylalanine hydroxylase; minus strand). Cytogenetic location: 12q23.2.
Variant type: single nucleotide variant.
Coding change: c.1253C>A on transcript NM_000277.3 (MANE Select); coding-DNA position 1253, C replaced by A.
Protein change: p.Thr418Asn; replaces threonine 418 with asparagine.
Molecular consequence: missense variant.
Genome position (GRCh38, 1-based): chr12:102,840,462, G>T on the plus strand (C>A on the coding strand, the complement: PAH is on the minus strand). VCF-style: chr12-102840462-G-T. GRCh37 (hg19) VCF-style: chr12-103234240-G-T.
Other names: c.1253C>A, p.Thr418Asn (NM_001354304.2); short protein forms T418N.
Identifiers: ClinVar variation 2735927 (VCV002735927.3), dbSNP rs1874539947, ClinGen allele CA16020984.
Genomic context (GRCh38, chr12:102,840,462, plus strand): 5'-TTAATGGAATCAGCCAAAATCTTAAGCTGCTGGGTATTGTCCAAGACCTCAATCCTTTGG[G>T]TGTATGGGTCGTAGCGAACTGAGAAGGGCCGAGGTATTGTGGCAGCAAAGTTCCTAAGAC-3'
Protein context (NP_000268.1, residues 408-428): RPFSVRYDPY[Thr418Asn]QRIEVLDNTQ